The following is an entry in ClinVar:

ClinVar aggregate classification (germline): Uncertain significance (1 of 4 stars; one submission).

Conditions:
MYH7B-related disorder. Also called: MYH7B-related condition.

Submission:

PreventionGenetics, part of Exact Sciences
Classification: Uncertain significance for MYH7B-related condition. Last evaluated: 2025-11-13. Review status: criteria provided, single submitter. Criteria: ACMG Guidelines, 2015. Collection method: clinical testing. Allele origin: germline.
Comment: The MYH7B c.1044_1047delGTCT variant is predicted to result in an in-frame deletion (p.Ser349fs). To our knowledge, this variant has not been reported in the literature. This variant is reported in 0.0041% of alleles in individuals of African descent in gnomAD. At this time, the clinical significance of this variant is uncertain due to the absence of conclusive functional and genetic evidence.

NM_020884.7(MYH7B):c.918_921del (p.Leu306_Ser307insTer)

Gene: MYH7B (myosin heavy chain 7B; plus strand). Cytogenetic location: 20q11.22.
Variant type: Deletion.
Coding change: c.918_921del on transcript NM_020884.7 (MANE Select); coding-DNA positions 918 to 921, 4 bases deleted (GTCT; older notation c.918_921delGTCT).
Protein change: p.Leu306_Ser307insTer.
Molecular consequence: frameshift variant.
Genome position (GRCh38, 1-based): chr20:34,986,899-34,986,902, GTCT deleted; deleting any 4 consecutive bases within chr20:34,986,896-34,986,902 gives the same sequence; the c. name uses the placement nearest the transcript's 3' end. VCF-style (leftmost placement, unchanged base first): chr20-34986895-TTCTG-T. GRCh37 (hg19) VCF-style: chr20-33574698-TTCTG-T.
Identifiers: ClinVar variation 4978546 (VCV004978546.1).